The following is an entry in ClinVar:

ClinVar aggregate classification (germline): Uncertain significance. Review status: criteria provided, multiple submitters, no conflicts (2 of 4 stars). 2 submissions from 2 submitters: Uncertain significance (2). Last evaluated 2026-04-07.

Conditions:
Cardiovascular phenotype. Identifiers: MedGen CN230736.
Hereditary cancer-predisposing syndrome. Also called: Hereditary neoplastic syndrome; Tumor predisposition; Hereditary Cancer Syndrome; Neoplastic Syndromes, Hereditary. Identifiers: Orphanet 140162, MedGen C0027672, MeSH D009386, MONDO:0015356.

Submissions (2):

Ambry Genetics
Classification: Uncertain significance for Cardiovascular phenotype; Hereditary cancer-predisposing syndrome. Last evaluated: 2026-04-07. Review status: criteria provided, single submitter. Criteria: Ambry Variant Classification Scheme 2023. Collection method: clinical testing. Allele origin: germline.
Comment: The p.N309D variant (also known as c.925A>G), located in coding exon 9 of the LZTR1 gene, results from an A to G substitution at nucleotide position 925. The asparagine at codon 309 is replaced by aspartic acid, an amino acid with highly similar properties. This amino acid position is highly conserved in available vertebrate species. In addition, the in silico prediction for this alteration is inconclusive. Based on the available evidence, the clinical significance of this variant remains unclear.

Labcorp Genetics (formerly Invitae), Labcorp
Classification: Uncertain significance. Last evaluated: 2024-05-31. Review status: criteria provided, single submitter. Criteria: Invitae Variant Classification Sherloc (09022015). Collection method: clinical testing. Allele origin: germline.
Comment: This sequence change replaces asparagine, which is neutral and polar, with aspartic acid, which is acidic and polar, at codon 309 of the LZTR1 protein (p.Asn309Asp). This variant is not present in population databases (gnomAD no frequency). This variant has not been reported in the literature in individuals affected with LZTR1-related conditions. Advanced modeling of protein sequence and biophysical properties (such as structural, functional, and spatial information, amino acid conservation, physicochemical variation, residue mobility, and thermodynamic stability) performed at Invitae indicates that this missense variant is not expected to disrupt LZTR1 protein function with a negative predictive value of 80%. In summary, the available evidence is currently insufficient to determine the role of this variant in disease. Therefore, it has been classified as a Variant of Uncertain Significance.

NM_006767.4(LZTR1):c.925A>G (p.Asn309Asp)

Gene: LZTR1 (leucine zipper like post translational regulator 1; plus strand). Cytogenetic location: 22q11.21.
Variant type: single nucleotide variant.
Coding change: c.925A>G on transcript NM_006767.4 (MANE Select); coding-DNA position 925, A replaced by G.
Protein change: p.Asn309Asp; replaces asparagine 309 with aspartic acid.
Molecular consequence: missense variant.
Genome position (GRCh38, 1-based): chr22:20,991,761, A>G. VCF-style: chr22-20991761-A-G. GRCh37 (hg19) VCF-style: chr22-21346050-A-G.
Other names: c.925A>G (NM_006767.3); short protein forms N309D.
Identifiers: ClinVar variation 3654139 (VCV003654139.3).